The following is an entry in ClinVar:

NM_000059.4(BRCA2):c.5361T>G (p.Phe1787Leu)

Gene: BRCA2 (BRCA2 DNA repair associated; plus strand). Cytogenetic location: 13q13.1.
Variant type: single nucleotide variant.
Coding change: c.5361T>G on transcript NM_000059.4 (MANE Select); coding-DNA position 5361, T replaced by G.
Protein change: p.Phe1787Leu; replaces phenylalanine 1787 with leucine.
Molecular consequence: missense variant.
Genome position (GRCh38, 1-based): chr13:32,339,716, T>G. VCF-style: chr13-32339716-T-G. GRCh37 (hg19) VCF-style: chr13-32913853-T-G.
Other names: short protein forms F1787L.
Identifiers: ClinVar variation 441423 (VCV000441423.7), dbSNP rs1555284194, ClinGen allele CA387785108.

ClinVar aggregate classification (germline): Conflicting classifications of pathogenicity. Review status: criteria provided, conflicting classifications (1 of 4 stars). 2 submissions from 2 submitters: Uncertain significance (1); Likely benign (1). Last evaluated 2023-03-23.

Conditions:
Hereditary cancer-predisposing syndrome. Also called: Hereditary Cancer Syndrome; Hereditary neoplastic syndrome; Neoplastic Syndromes, Hereditary; Tumor predisposition. Identifiers: Orphanet 140162, MedGen C0027672, MeSH D009386, MONDO:0015356.

Submissions (2):

University of Washington Department of Laboratory Medicine, University of Washington
Classification: Likely benign for Hereditary cancer-predisposing syndrome. Last evaluated: 2023-03-23. Review status: criteria provided, single submitter. Criteria: Dines et al. (Genet Med. 2020). Collection method: curation. Allele origin: germline.
Comment: Missense variant in a coldspot region where missense variants are very unlikely to be pathogenic (PMID:31911673).

BRCA2 exon 11 coldspot. Reclassification based on statistical prior probability.

Ambry Genetics
Classification: Uncertain significance for Hereditary cancer-predisposing syndrome. Last evaluated: 2017-02-15. Review status: criteria provided, single submitter. Criteria: Ambry Variant Classification Scheme 2023. Collection method: clinical testing. Allele origin: germline.
Comment: The p.F1787L variant (also known as c.5361T>G), located in coding exon 10 of the BRCA2 gene, results from a T to G substitution at nucleotide position 5361. The phenylalanine at codon 1787 is replaced by leucine, an amino acid with highly similar properties. This amino acid position is not well conserved in available vertebrate species. In addition, this alteration is predicted to be tolerated by in silico analysis. Since supporting evidence is limited at this time, the clinical significance of this alteration remains unclear.